The following is an entry in ClinVar:

ClinVar aggregate classification (germline): Pathogenic (1 of 4 stars; one submission).

Submission:

Labcorp Genetics (formerly Invitae), Labcorp
Classification: Pathogenic. Last evaluated: 2021-10-16. Review status: criteria provided, single submitter. Criteria: Invitae Variant Classification Sherloc (09022015). Collection method: clinical testing. Allele origin: germline.
Comment: For these reasons, this variant has been classified as Pathogenic. This variant has not been reported in the literature in individuals affected with XPC-related conditions. This variant is not present in population databases (ExAC no frequency). This sequence change creates a premature translational stop signal (p.Asn268Lysfs*8) in the XPC gene. It is expected to result in an absent or disrupted protein product. Loss-of-function variants in XPC are known to be pathogenic (PMID: 23173980, 25256075).

Literature cited by the submitters: PubMed 23173980; PubMed 25256075.

NM_004628.5(XPC):c.803dup (p.Asn268fs)

Gene: XPC (XPC complex subunit, DNA damage recognition and repair factor; minus strand). Cytogenetic location: 3p25.1.
Variant type: Duplication.
Coding change: c.803dup on transcript NM_004628.5 (MANE Select); coding-DNA position 803, one base duplicated (A; older notation c.803dupA).
Protein change: p.Asn268fs; shifts the reading frame from asparagine 268.
Molecular consequence: frameshift variant. On other transcripts: non-coding transcript variant (2).
Genome position (GRCh38, 1-based): chr3:14,164,910, T duplicated on the plus strand (A on the coding strand, the reverse complement: XPC is on the minus strand); the first of 2 consecutive T bases (chr3:14,164,910-14,164,911); duplicating either gives the same sequence. VCF-style (leftmost placement, unchanged base first): chr3-14164909-A-AT. GRCh37 (hg19) VCF-style: chr3-14206409-A-AT.
Other names: c.224dup, p.Asn75fs (NM_001354726.2); c.803dup, p.Asn268fs (NM_001354727.2, NM_001354730.2); c.785dup, p.Asn262fs (NM_001354729.2); short protein forms N262fs, N75fs, N268fs.
Identifiers: ClinVar variation 1354436 (VCV001354436.6), dbSNP rs2125035850, ClinGen allele CA2573136065.
Genomic context (GRCh38, chr3:14,164,909, plus strand): 5'-AGCAAATCTCCTTTCCAATGTAGTCTGCAGGTTATCTTGTTCACTGGCTGAAAGTTCTGC[A>AT]TTAACTGTAAATGTTCCAATGAACCTGGGGAGAAAGCAGGCATTCCTTGTGTCAGAGGTC-3'